The following is an entry in ClinVar:

ClinVar aggregate classification (germline): Uncertain significance (1 of 4 stars; one submission).

Conditions:
Periodic fever-infantile enterocolitis-autoinflammatory syndrome. Also called: Autoinflammation with infantile enterocolitis. Identifiers: Orphanet 436166, MedGen C4015067, MONDO:0014472, OMIM 616050.
Familial cold autoinflammatory syndrome 4 (FCAS4). Identifiers: Orphanet 47045, Orphanet 576349, MedGen C4015276, MONDO:0014498, OMIM 616115.

Submission:

Labcorp Genetics (formerly Invitae), Labcorp
Classification: Uncertain significance for Periodic fever-infantile enterocolitis-autoinflammatory syndrome; Familial cold autoinflammatory syndrome 4. Last evaluated: 2024-03-26. Review status: criteria provided, single submitter. Criteria: Invitae Variant Classification Sherloc (09022015). Collection method: clinical testing. Allele origin: germline.
Comment: This sequence change replaces tyrosine, which is neutral and polar, with phenylalanine, which is neutral and non-polar, at codon 585 of the NLRC4 protein (p.Tyr585Phe). This variant is present in population databases (rs763410160, gnomAD 0.007%). This variant has not been reported in the literature in individuals affected with NLRC4-related conditions. ClinVar contains an entry for this variant (Variation ID: 2195228). Advanced modeling of protein sequence and biophysical properties (such as structural, functional, and spatial information, amino acid conservation, physicochemical variation, residue mobility, and thermodynamic stability) has been performed at Invitae for this missense variant, however the output from this modeling did not meet the statistical confidence thresholds required to predict the impact of this variant on NLRC4 protein function. In summary, the available evidence is currently insufficient to determine the role of this variant in disease. Therefore, it has been classified as a Variant of Uncertain Significance.

NM_001199138.2(NLRC4):c.1754A>T (p.Tyr585Phe)

Gene: NLRC4 (NLR family CARD domain containing 4; minus strand). Cytogenetic location: 2p22.3.
Variant type: single nucleotide variant.
Coding change: c.1754A>T on transcript NM_001199138.2 (MANE Select); coding-DNA position 1754, A replaced by T.
Protein change: p.Tyr585Phe; replaces tyrosine 585 with phenylalanine.
Molecular consequence: missense variant. On other transcripts: intron variant (1).
Genome position (GRCh38, 1-based): chr2:32,250,110, T>A on the plus strand (A>T on the coding strand, the complement: NLRC4 is on the minus strand). VCF-style: chr2-32250110-T-A. GRCh37 (hg19) VCF-style: chr2-32475179-T-A.
Other names: c.1754A>T, p.Tyr585Phe (NM_001199139.2, NM_021209.5); c.262+2309A>T (NM_001302504.1); short protein forms Y585F.
Identifiers: ClinVar variation 2195228 (VCV002195228.4), dbSNP rs763410160, ClinGen allele CA1601933.
Genomic context (GRCh38, chr2:32,250,110, plus strand): 5'-CAATTGGGCAAATGTTCAAAGAAGTCAAATAAGTAATCGGGGATGTTCCCTGAGTTGATA[T>A]ATAAGCTTTTACCTTGAAAGAAAGCTTCAAATTCTTGGCTCAGGGCTGATTTGGATGTAC-3'
Protein context (NP_001186067.1, residues 575-595): FEAFFQGKSL[Tyr585Phe]INSGNIPDYL